The following is an entry in ClinVar:

ClinVar aggregate classification (germline): Benign/Likely benign. Review status: criteria provided, multiple submitters, no conflicts (2 of 4 stars). 9 submissions from 9 submitters: Benign (4); Likely benign (4). 1 of the submissions does not count toward it. Last evaluated 2026-01-31.

Conditions:
Hepatoencephalopathy due to combined oxidative phosphorylation defect type 1. Also called: HEPATOENCEPHALOPATHY, EARLY FATAL PROGRESSIVE. Identifiers: Orphanet 137681, MedGen C1836797, MONDO:0012191, OMIM 609060.

Allele frequency attached by ClinVar (database versions not stated): gnomAD exomes 0.00048 and 0.00123; ExAC 0.00160; gnomAD 0.00484 and 0.00510; TOPMed 0.00495; ESP Exome Variant Server 0.00615; 1000 Genomes Project 30x 0.00625; 1000 Genomes Project 0.00639.

Submissions (9):

Labcorp Genetics (formerly Invitae), Labcorp
Classification: Benign. Last evaluated: 2026-01-31. Review status: criteria provided, single submitter. Criteria: Invitae Variant Classification Sherloc (09022015). Collection method: clinical testing. Allele origin: germline.

Mayo Clinic Laboratories, Mayo Clinic
Classification: Benign. Last evaluated: 2025-10-14. Review status: criteria provided, single submitter. Criteria: ACMG Guidelines, 2015. Collection method: clinical testing. Allele origin: germline. Observed: 8 variant alleles.
Comment: BS1, BS2, BP4_moderate

Blueprint Genetics
Classification: Likely benign. Last evaluated: 2024-11-26. Review status: criteria provided, single submitter. Criteria: ACMG Guidelines, 2015. Collection method: clinical testing. Allele origin: germline.

Illumina Laboratory Services, Illumina
Classification: Benign for Hepatoencephalopathy due to combined oxidative phosphorylation defect type 1. Last evaluated: 2018-01-13. Review status: criteria provided, single submitter. Criteria: ICSL Variant Classification Criteria 13 December 2019. Collection method: clinical testing. Allele origin: germline.
Comment: This variant was observed in the ICSL laboratory as part of a predisposition screen in an ostensibly healthy population. It had not been previously curated by ICSL or reported in the Human Gene Mutation Database (HGMD: prior to June 1st, 2018), and was therefore a candidate for classification through an automated scoring system. Utilizing variant allele frequency, disease prevalence and penetrance estimates, and inheritance mode, an automated score was calculated to assess if this variant is too frequent to cause the disease. Based on the score and internal cut-off values, a variant classified as benign is not then subjected to further curation. The score for this variant resulted in a classification of benign for this disease.

ARUP Laboratories, Molecular Genetics and Genomics, ARUP Laboratories
Classification: Likely benign. Last evaluated: 2017-08-14. Review status: criteria provided, single submitter. Criteria: ARUP Molecular Germline Variant Investigation Process. Collection method: clinical testing. Allele origin: germline.
Comment: The p.Met190Leu variant (rs75450876; ClinVar variation ID: 137465) has not been reported in the medical literature in association with disease. It is found with an allele frequency in African populations of 1.8% (423/24,024 alleles) in the Genome Aggregation Database. The methionine at codon 190 is moderately conserved and computational analyses (SIFT, PolyPhen-2) predict that this variant is tolerated. Based on available information, this variant is considered to be likely benign.

Center for Pediatric Genomic Medicine, Children's Mercy Hospital and Clinics
Classification: Likely benign. Last evaluated: 2015-06-04. Review status: criteria provided, single submitter. Criteria: ACMG Guidelines, 2015. Collection method: clinical testing. Allele origin: germline.
ClinVar note: Converted during submission from Likely Benign to Likely benign.

GeneDx
Classification: Benign. Last evaluated: 2013-01-08. Review status: criteria provided, single submitter. Criteria: GeneDx Variant Classification (06012015). Collection method: clinical testing. Allele origin: germline. Affected: yes.
Comment: This variant is considered likely benign or benign based on one or more of the following criteria: it is a conservative change, it occurs at a poorly conserved position in the protein, it is predicted to be benign by multiple in silico algorithms, and/or has population frequency not consistent with disease.

Breakthrough Genomics
Classification: Likely benign. Review status: criteria provided, single submitter. Criteria: ACMG Guidelines, 2015. Collection method: not provided. Allele origin: germline. Inheritance: Autosomal recessive inheritance. Affected: yes.

Natera, Inc.
Classification: Benign for Combined oxidative phosphorylation deficiency 1. Last evaluated: 2019-10-21. Review status: no assertion criteria provided. Collection method: clinical testing. Allele origin: germline. Not counted in ClinVar's aggregate classification.

NM_024996.7(GFM1):c.568A>C (p.Met190Leu)

Gene: GFM1 (G elongation factor mitochondrial 1; plus strand). Cytogenetic location: 3q25.32.
Variant type: single nucleotide variant.
Coding change: c.568A>C on transcript NM_024996.7 (MANE Select); coding-DNA position 568, A replaced by C.
Protein change: p.Met190Leu; replaces methionine 190 with leucine.
Molecular consequence: missense variant. On other transcripts: non-coding transcript variant (3), intron variant (4).
Genome position (GRCh38, 1-based): chr3:158,646,943, A>C. VCF-style: chr3-158646943-A-C. GRCh37 (hg19) VCF-style: chr3-158364732-A-C.
Other names: p.M190L:ATG>CTG; c.568A>C, p.Met190Leu (NM_001308164.2, NM_001308166.2, NM_001374355.1 and 1 more transcripts); c.343A>C, p.Met115Leu (NM_001374357.1); c.5+1162A>C (NM_001374359.1, NM_001374360.1, NM_001374361.1); c.234+1162A>C (NM_001374358.1); short protein forms M190L, M115L.
Identifiers: ClinVar variation 137465 (VCV000137465.29), dbSNP rs75450876, ClinGen allele CA291063.